The following is an entry in ClinVar:

ClinVar aggregate classification (germline): Pathogenic (1 of 4 stars; one submission).

Conditions:
Granulomatous disease, chronic, autosomal recessive, cytochrome b-negative. Also called: GRANULOMATOUS DISEASE, CHRONIC, AUTOSOMAL RECESSIVE, 4; CGD DUE TO DEFICIENCY OF THE ALPHA SUBUNIT OF CYTOCHROME b; CGD, AUTOSOMAL RECESSIVE CYTOCHROME b-NEGATIVE; CYBA DEFICIENCY; Chronic granulomatous disease, autosomal, due to deficiency of CYBA. Identifiers: Orphanet 379, MedGen C1856255, MONDO:0009308, OMIM 233690.

Submission:

Labcorp Genetics (formerly Invitae), Labcorp
Classification: Pathogenic for Granulomatous disease, chronic, autosomal recessive, cytochrome b-negative. Last evaluated: 2022-09-07. Review status: criteria provided, single submitter. Criteria: Invitae Variant Classification Sherloc (09022015). Collection method: clinical testing. Allele origin: germline.
Comment: A gross deletion of the genomic region encompassing the full coding sequence of the CYBA gene has been identified. Loss-of-function variants in CYBA are known to be pathogenic (PMID: 10910929, 20167518, 22876374). The boundaries of this event are unknown as they extend beyond the assayed region for this gene and therefore may encompass additional genes. This variant has not been reported in the literature in individuals affected with CYBA-related conditions. For these reasons, this variant has been classified as Pathogenic.

Literature cited by the submitters: PubMed 10910929; PubMed 20167518; PubMed 22876374.

NC_000016.9:g.(?_88709737)_(89220635_?)del

Genes: ACSF3 (acyl-CoA synthetase family member 3; plus strand), APRT (adenine phosphoribosyltransferase; minus strand), CBFA2T3 (CBFA2/RUNX1 partner transcriptional co-repressor 3; minus strand), CDT1 (chromatin licensing and DNA replication factor 1; plus strand), CTU2 (cytosolic thiouridylase subunit 2; plus strand) and 8 more. Cytogenetic location: 16q24.3.
Variant type: Deletion.
Identifiers: ClinVar variation 1074796 (VCV001074796.2).